The following is an entry in ClinVar:

ClinVar aggregate classification (germline): Likely pathogenic (1 of 4 stars; one submission).

Conditions:
Combined oxidative phosphorylation deficiency 39. Identifiers: Orphanet 565624, MedGen C5193075, MONDO:0032726, OMIM 618397.

Submission:

3billion
Classification: Likely pathogenic for Combined oxidative phosphorylation deficiency 39. Last evaluated: 2025-01-21. Review status: criteria provided, single submitter. Criteria: ACMG Guidelines, 2015. Collection method: clinical testing. Allele origin: germline. Affected: yes.
Comment: The variant is not observed in the gnomAD v4.1.0 dataset. Predicted Consequence/Location: Frameshift: predicted to result in a loss or disruption of normal protein function through nonsense-mediated decay (NMD) or protein truncation. Multiple pathogenic variants are reported downstream of the variant. Therefore, this variant is classified as Likely pathogenic according to the recommendation of ACMG/AMP guideline.

NM_032380.5(GFM2):c.1400del (p.Lys467fs)

Gene: GFM2 (GTP dependent ribosome recycling factor mitochondrial 2; minus strand). Cytogenetic location: 5q13.3.
Variant type: Deletion.
Coding change: c.1400del on transcript NM_032380.5 (MANE Select); coding-DNA position 1400, one base deleted (A; older notation c.1400delA).
Protein change: p.Lys467fs; shifts the reading frame from lysine 467.
Molecular consequence: frameshift variant. On other transcripts: non-coding transcript variant (1).
Genome position (GRCh38, 1-based): chr5:74,736,906, T deleted on the plus strand (A on the coding strand, the reverse complement: GFM2 is on the minus strand); the first of 4 consecutive T bases (chr5:74,736,906-74,736,909); deleting any one gives the same sequence. VCF-style (leftmost placement, unchanged base first): chr5-74736905-CT-C. GRCh37 (hg19) VCF-style: chr5-74032730-CT-C.
Other names: c.1496del, p.Lys499fs (NM_001281302.2); c.1400del, p.Lys467fs (NM_170681.3); c.1259del, p.Lys420fs (NM_170691.3); short protein forms K420fs, K467fs, K499fs.
Identifiers: ClinVar variation 4292341 (VCV004292341.1).